The following is an entry in ClinVar:

NM_000751.3(CHRND):c.739C>T (p.Leu247Phe)

Gene: CHRND (cholinergic receptor nicotinic delta subunit; plus strand). Cytogenetic location: 2q37.1.
Variant type: single nucleotide variant.
Coding change: c.739C>T on transcript NM_000751.3 (MANE Select); coding-DNA position 739, C replaced by T.
Protein change: p.Leu247Phe; replaces leucine 247 with phenylalanine.
Molecular consequence: missense variant. On other transcripts: intron variant (1).
Genome position (GRCh38, 1-based): chr2:232,530,058, C>T. VCF-style: chr2-232530058-C-T. GRCh37 (hg19) VCF-style: chr2-233394768-C-T.
Other names: c.694C>T, p.Leu232Phe (NM_001256657.2); c.436C>T, p.Leu146Phe (NM_001311196.2); c.239-1294C>T (NM_001311195.2); short protein forms L146F, L232F, L247F.
Identifiers: ClinVar variation 2684157 (VCV002684157.1), dbSNP rs2469723751, ClinGen allele CA351000906.

ClinVar aggregate classification (germline): Uncertain significance (1 of 4 stars; one submission).

Submission:

Athena Diagnostics
Classification: Uncertain significance. Last evaluated: 2023-03-31. Review status: criteria provided, single submitter. Criteria: Athena Diagnostics Criteria. Collection method: clinical testing. Allele origin: unknown.
Comment: Available data are insufficient to determine the clinical significance of the variant at this time. This variant has not been reported in large, multi-ethnic general populations. Computational tools predict that this variant is damaging.